The following is an entry in ClinVar:

ClinVar aggregate classification (germline): Uncertain significance (1 of 4 stars; one submission).

Conditions:
Cardiomyopathy (CMYO). Also called: Cardiomyopathies. Identifiers: Orphanet 167848, MedGen C0878544, MONDO:0004994, HP:0001638. Inheritance: Various modes of inheritance.

Allele frequency attached by ClinVar (database versions not stated): gnomAD exomes below 0.00001.
gnomAD v4.1: 1 of 1,614,072 alleles (0.000062%); highest among the groups gnomAD compares: Non-Finnish European, 0.000085%; no homozygotes.

Submission:

Color Diagnostics, LLC DBA Color Health
Classification: Uncertain significance for Cardiomyopathy. Last evaluated: 2024-03-07. Review status: criteria provided, single submitter. Criteria: ACMG Guidelines, 2015. Collection method: clinical testing. Allele origin: germline.
Comment: This missense variant replaces cysteine with tyrosine at codon 471 of the DSC2 protein. Computational prediction suggests that this variant may not impact protein structure and function (internally defined REVEL score threshold <= 0.5, PMID: 27666373). To our knowledge, functional studies have not been reported for this variant. This variant has not been reported in individuals affected with cardiovascular disorders in the literature. This variant has been identified in 1/251166 chromosomes in the general population by the Genome Aggregation Database (gnomAD). The available evidence is insufficient to determine the role of this variant in disease conclusively. Therefore, this variant is classified as a Variant of Uncertain Significance.

NM_024422.6(DSC2):c.1412G>A (p.Cys471Tyr)

Gene: DSC2 (desmocollin 2; minus strand). Cytogenetic location: 18q12.1.
Variant type: single nucleotide variant.
Coding change: c.1412G>A on transcript NM_024422.6 (MANE Select); coding-DNA position 1412, G replaced by A.
Protein change: p.Cys471Tyr; replaces cysteine 471 with tyrosine.
Molecular consequence: missense variant.
Genome position (GRCh38, 1-based): chr18:31,080,204, C>T on the plus strand (G>A on the coding strand, the complement: DSC2 is on the minus strand). VCF-style: chr18-31080204-C-T. GRCh37 (hg19) VCF-style: chr18-28660170-C-T.
Other names: c.1412G>A, p.Cys471Tyr (NM_004949.5); short protein forms C471Y.
Identifiers: ClinVar variation 1171715 (VCV001171715.3), dbSNP rs1314641804, ClinGen allele CA402108554.